The following is an entry in ClinVar:

ClinVar aggregate classification (germline): Uncertain significance (1 of 4 stars; one submission).

Submission:

CeGaT Center for Human Genetics Tuebingen
Classification: Uncertain significance. Last evaluated: 2023-03-01. Review status: criteria provided, single submitter. Criteria: CeGaT Center For Human Genetics Tuebingen Variant Classification Criteria Version 2. Collection method: clinical testing. Allele origin: germline. Affected: yes. Observed: 1 variant allele.
Comment: PSEN2: PM2, PP4

NM_000447.3(PSEN2):c.904G>T (p.Val302Phe)

Gene: PSEN2 (presenilin 2; plus strand). Cytogenetic location: 1q42.13.
Variant type: single nucleotide variant.
Coding change: c.904G>T on transcript NM_000447.3 (MANE Select); coding-DNA position 904, G replaced by T.
Protein change: p.Val302Phe; replaces valine 302 with phenylalanine.
Molecular consequence: missense variant.
Genome position (GRCh38, 1-based): chr1:226,891,295, G>T. VCF-style: chr1-226891295-G-T. GRCh37 (hg19) VCF-style: chr1-227078996-G-T.
Other names: c.904G>T, p.Val302Phe (NM_012486.3); short protein forms V302F.
Identifiers: ClinVar variation 2498447 (VCV002498447.28), dbSNP rs2527994750, ClinGen allele CA345042503.